The following is an entry in ClinVar:

ClinVar aggregate classification (germline): Likely benign. Review status: criteria provided, multiple submitters, no conflicts (2 of 4 stars). 3 submissions from 3 submitters: Likely benign (3). Last evaluated 2026-01-10.

Conditions:
Very long chain acyl-CoA dehydrogenase deficiency (ACADVLD). Also called: Very Long-Chain Acyl-Coenzyme A Dehydrogenase Deficiency; VLCAD Deficiency. Identifiers: Orphanet 26793, MedGen C3887523, MONDO:0008723, OMIM 201475.

Allele frequency attached by ClinVar (database versions not stated): gnomAD exomes below 0.00001 and 0.00002; ExAC 0.00002; ESP Exome Variant Server 0.00008; TOPMed 0.00012; gnomAD 0.00013.

Submissions (3):

Labcorp Genetics (formerly Invitae), Labcorp
Classification: Likely benign for Very long chain acyl-CoA dehydrogenase deficiency. Last evaluated: 2026-01-10. Review status: criteria provided, single submitter. Criteria: Invitae Variant Classification Sherloc (09022015). Collection method: clinical testing. Allele origin: germline.

GeneDx
Classification: Likely benign. Last evaluated: 2017-02-03. Review status: criteria provided, single submitter. Criteria: GeneDx Variant Classification (06012015). Collection method: clinical testing. Allele origin: germline. Affected: yes.
Comment: This variant is considered likely benign or benign based on one or more of the following criteria: it is a conservative change, it occurs at a poorly conserved position in the protein, it is predicted to be benign by multiple in silico algorithms, and/or has population frequency not consistent with disease.

PreventionGenetics, part of Exact Sciences
Classification: Likely benign. Review status: criteria provided, single submitter. Criteria: ACMG Guidelines, 2015. Collection method: clinical testing. Allele origin: germline.

NM_000018.4(ACADVL):c.756T>C (p.Asn252=)

Gene: ACADVL (acyl-CoA dehydrogenase very long chain; plus strand). Cytogenetic location: 17p13.1.
Variant type: single nucleotide variant.
Coding change: c.756T>C on transcript NM_000018.4 (MANE Select); coding-DNA position 756, T replaced by C.
Protein change: p.Asn252=; no amino-acid change (asparagine 252 retained).
Molecular consequence: synonymous variant.
Genome position (GRCh38, 1-based): chr17:7,222,180, T>C. VCF-style: chr17-7222180-T-C. GRCh37 (hg19) VCF-style: chr17-7125499-T-C.
Other names: c.690T>C, p.Asn230= (NM_001033859.3); c.825T>C, p.Asn275= (NM_001270447.2); c.528T>C, p.Asn176= (NM_001270448.2).
Identifiers: ClinVar variation 254704 (VCV000254704.12), dbSNP rs143233413, ClinGen allele CA8337846.